The following is an entry in ClinVar:

NM_031407.7(HUWE1):c.86G>C (p.Cys29Ser)

Gene: HUWE1 (HECT, UBA and WWE domain containing E3 ubiquitin protein ligase 1; minus strand). Cytogenetic location: Xp11.22.
Variant type: single nucleotide variant.
Coding change: c.86G>C on transcript NM_031407.7 (MANE Select); coding-DNA position 86, G replaced by C.
Protein change: p.Cys29Ser; replaces cysteine 29 with serine.
Molecular consequence: missense variant.
Genome position (GRCh38, 1-based): chrX:53,648,270, C>G on the plus strand (G>C on the coding strand, the complement: HUWE1 is on the minus strand). VCF-style: chrX-53648270-C-G. GRCh37 (hg19) VCF-style: chrX-53675213-C-G.
Other names: short protein forms C29S.
Identifiers: ClinVar variation 3383532 (VCV003383532.1).
Genomic context (GRCh38, chrX:53,648,270, plus strand): 5'-ACCTTTCCAATGTTCCATGTTTTGATCTGCTGCAGTTCCAAGAGAAGTTGCTCATCATTA[C>G]AAACTTTGAGTTTGTCTATTAAGGCTCTGCAGTCTGCAGGCTGAGAAAAGAAAAGTATTC-3'
Protein context (NP_113584.3, residues 19-39): CRALIDKLKV[Cys29Ser]NDEQLLLELQ

ClinVar aggregate classification (germline): Uncertain significance (1 of 4 stars; one submission).

Submission:

GeneDx
Classification: Uncertain significance. Last evaluated: 2024-05-17. Review status: criteria provided, single submitter. Criteria: GeneDx Variant Classification Process June 2021. Collection method: clinical testing. Allele origin: germline. Affected: yes.
Comment: Not observed at significant frequency in large population cohorts (gnomAD); In silico analysis supports that this missense variant has a deleterious effect on protein structure/function; Has not been previously published as pathogenic or benign to our knowledge